The following is an entry in ClinVar:

NM_001376.5(DYNC1H1):c.7066G>A (p.Val2356Met)

Gene: DYNC1H1 (dynein cytoplasmic 1 heavy chain 1; plus strand). Cytogenetic location: 14q32.31.
Variant type: single nucleotide variant.
Coding change: c.7066G>A on transcript NM_001376.5 (MANE Select); coding-DNA position 7066, G replaced by A.
Protein change: p.Val2356Met; replaces valine 2356 with methionine.
Molecular consequence: missense variant.
Genome position (GRCh38, 1-based): chr14:102,015,156, G>A. VCF-style: chr14-102015156-G-A. GRCh37 (hg19) VCF-style: chr14-102481493-G-A.
Other names: short protein forms V2356M.
Identifiers: ClinVar variation 5005280 (VCV005005280.2).

ClinVar aggregate classification (germline): Uncertain significance (1 of 4 stars; one submission).

Conditions:
Cortical dysplasia, complex, with other brain malformations 13. Also called: Intellectual disability, autosomal dominant 13. Identifiers: MedGen C3281202, MONDO:0013805, OMIM 614563.
Autosomal dominant childhood-onset proximal spinal muscular atrophy without contractures. Also called: SPINAL MUSCULAR ATROPHY, CHILDHOOD, PROXIMAL, AUTOSOMAL DOMINANT; SPINAL MUSCULAR ATROPHY, JUVENILE, PROXIMAL, AUTOSOMAL DOMINANT; KUGELBERG-WELANDER SYNDROME, AUTOSOMAL DOMINANT; Spinal muscular atrophy, lower extremity-predominant 1, AD. Identifiers: Orphanet 209341, Orphanet 363447, MedGen C5780022, MONDO:0008026, OMIM 158600.
Charcot-Marie-Tooth disease axonal type 2O. Also called: CHARCOT-MARIE-TOOTH NEUROPATHY, AXONAL, TYPE 2O; CHARCOT-MARIE-TOOTH DISEASE, AXONAL, AUTOSOMAL DOMINANT, TYPE 2O; Charcot-Marie-Tooth Neuropathy Type 2O; Charcot-Marie-Tooth disease, axonal, type 20. Identifiers: Orphanet 284232, MedGen C3280220, MONDO:0013644, OMIM 614228.

Submission:

Juno Genomics, Hangzhou Juno Genomics, Inc
Classification: Uncertain significance for Autosomal dominant childhood-onset proximal spinal muscular atrophy without contractures; Cortical dysplasia, complex, with other brain malformations 13; Charcot-Marie-Tooth disease axonal type 2O. Review status: criteria provided, single submitter. Criteria: ACMG Guidelines, 2015. Collection method: clinical testing. Allele origin: germline.
Comment: Absent from controls (or at extremely low frequency if recessive) in Genome Aggregation Database.;Missense variant in a gene that has a low rate of benign missense variation.